The following is an entry in ClinVar:

NM_001655.5(ARCN1):c.1384C>G (p.Pro462Ala)

Gene: ARCN1 (archain 1 coat protein complex I subunit delta; plus strand). Cytogenetic location: 11q23.3.
Variant type: single nucleotide variant.
Coding change: c.1384C>G on transcript NM_001655.5 (MANE Select); coding-DNA position 1384, C replaced by G.
Protein change: p.Pro462Ala; replaces proline 462 with alanine.
Molecular consequence: missense variant.
Genome position (GRCh38, 1-based): chr11:118,597,849, C>G. VCF-style: chr11-118597849-C-G. GRCh37 (hg19) VCF-style: chr11-118468564-C-G.
Other names: c.1384C>G (NM_001655.4); c.1120C>G, p.Pro374Ala (NM_001142281.2); short protein forms P374A, P462A.
Identifiers: ClinVar variation 1921768 (VCV001921768.6), dbSNP rs1472535165, ClinGen allele CA382818354.

ClinVar aggregate classification (germline): Uncertain significance. Review status: criteria provided, multiple submitters, no conflicts (2 of 4 stars). 2 submissions from 2 submitters: Uncertain significance (2). Last evaluated 2024-11-22.

Conditions:
Inborn genetic diseases. Identifiers: MedGen C0950123, MeSH D030342.

Allele frequency attached by ClinVar (database versions not stated): gnomAD exomes 0.00001.
gnomAD v4.1: 10 of 1,614,024 alleles (0.00062%); highest among the groups gnomAD compares: Non-Finnish European, 0.00085%; no homozygotes.

Submissions (2):

Labcorp Genetics (formerly Invitae), Labcorp
Classification: Uncertain significance. Last evaluated: 2024-11-22. Review status: criteria provided, single submitter. Criteria: Invitae Variant Classification Sherloc (09022015). Collection method: clinical testing. Allele origin: germline.
Comment: This sequence change replaces proline, which is neutral and non-polar, with alanine, which is neutral and non-polar, at codon 462 of the ARCN1 protein (p.Pro462Ala). This variant is not present in population databases (gnomAD no frequency). This variant has not been reported in the literature in individuals affected with ARCN1-related conditions. ClinVar contains an entry for this variant (Variation ID: 1921768). An algorithm developed to predict the effect of missense changes on protein structure and function (PolyPhen-2) suggests that this variant is likely to be tolerated. In summary, the available evidence is currently insufficient to determine the role of this variant in disease. Therefore, it has been classified as a Variant of Uncertain Significance.

Ambry Genetics
Classification: Uncertain significance for Inborn genetic diseases. Last evaluated: 2024-06-11. Review status: criteria provided, single submitter. Criteria: Ambry Variant Classification Scheme 2023. Collection method: clinical testing. Allele origin: germline.